The following is an entry in ClinVar:

NM_001430.5(EPAS1):c.2308A>G (p.Met770Val)

Gene: EPAS1 (endothelial PAS domain protein 1; plus strand). Cytogenetic location: 2p21.
Variant type: single nucleotide variant.
Coding change: c.2308A>G on transcript NM_001430.5 (MANE Select); coding-DNA position 2308, A replaced by G.
Protein change: p.Met770Val; replaces methionine 770 with valine.
Molecular consequence: missense variant.
Genome position (GRCh38, 1-based): chr2:46,382,445, A>G. VCF-style: chr2-46382445-A-G. GRCh37 (hg19) VCF-style: chr2-46609584-A-G.
Other names: short protein forms M770V.
Identifiers: ClinVar variation 2456574 (VCV002456574.3), dbSNP rs2546480744, ClinGen allele CA346705991.
Genomic context (GRCh38, chr2:46,382,445, plus strand): 5'-AGGCCAATGCTACCGTCACTCTCTGACTTTGGTCTTTCAGATAAGTTCACCCAAAACCCC[A>G]TGAGGGGCCTGGGCCATCCCCTGAGACATCTGCCGCTGCCACAGCCTCCATCTGCCATCA-3'
Protein context (NP_001421.2, residues 760-780): VPNDKFTQNP[Met770Val]RGLGHPLRHL

ClinVar aggregate classification (germline): Conflicting classifications of pathogenicity. Review status: criteria provided, conflicting classifications (1 of 4 stars). 2 submissions from 2 submitters: Uncertain significance (1); Likely benign (1). Last evaluated 2025-05-22.

Conditions:
Inborn genetic diseases. Identifiers: MedGen C0950123, MeSH D030342.

Allele frequency attached by ClinVar (database versions not stated): gnomAD exomes below 0.00001.
gnomAD v4.1: 2 of 1,613,926 alleles (0.00012%); no homozygotes.

Submissions (2):

Labcorp Genetics (formerly Invitae), Labcorp
Classification: Uncertain significance. Last evaluated: 2025-05-22. Review status: criteria provided, single submitter. Criteria: Invitae Variant Classification Sherloc (09022015). Collection method: clinical testing. Allele origin: germline.
Comment: This sequence change replaces methionine, which is neutral and non-polar, with valine, which is neutral and non-polar, at codon 770 of the EPAS1 protein (p.Met770Val). This variant is not present in population databases (gnomAD no frequency). This variant has not been reported in the literature in individuals affected with EPAS1-related conditions. ClinVar contains an entry for this variant (Variation ID: 2456574). An algorithm developed to predict the effect of missense changes on protein structure and function outputs the following: PolyPhen-2: "Benign". The valine amino acid residue is found in multiple mammalian species, which suggests that this missense change does not adversely affect protein function. In summary, the available evidence is currently insufficient to determine the role of this variant in disease. Therefore, it has been classified as a Variant of Uncertain Significance.

Ambry Genetics
Classification: Likely benign for Inborn genetic diseases. Last evaluated: 2023-02-15. Review status: criteria provided, single submitter. Criteria: Ambry Variant Classification Scheme 2023. Collection method: clinical testing. Allele origin: germline.